The following is an entry in ClinVar:

NM_001042492.3(NF1):c.970T>C (p.Cys324Arg)

Gene: NF1 (neurofibromin 1; plus strand). Cytogenetic location: 17q11.2.
Variant type: single nucleotide variant.
Coding change: c.970T>C on transcript NM_001042492.3 (MANE Select); coding-DNA position 970, T replaced by C.
Protein change: p.Cys324Arg; replaces cysteine 324 with arginine.
Molecular consequence: missense variant.
Genome position (GRCh38, 1-based): chr17:31,200,503, T>C. VCF-style: chr17-31200503-T-C. GRCh37 (hg19) VCF-style: chr17-29527521-T-C.
Other names: c.970T>C, p.Cys324Arg (NM_001128147.3, NM_000267.4); short protein forms C324R.
Identifiers: ClinVar variation 68365 (VCV000068365.8), dbSNP rs199474735, ClinGen allele CA219647.

ClinVar aggregate classification (germline): Likely pathogenic. Review status: criteria provided, multiple submitters, no conflicts (2 of 4 stars). 3 submissions from 3 submitters: Likely pathogenic (2). 1 of the submissions does not count toward it. Last evaluated 2025-12-09.

Conditions:
Hereditary cancer-predisposing syndrome. Also called: Tumor predisposition; Hereditary Cancer Syndrome; Neoplastic Syndromes, Hereditary; Hereditary neoplastic syndrome. Identifiers: Orphanet 140162, MedGen C0027672, MeSH D009386, MONDO:0015356.
Cardiovascular phenotype. Identifiers: MedGen CN230736.
Neurofibromatosis, type 1 (NF1). Also called: Peripheral type neurofibromatosis; VON RECKLINGHAUSEN DISEASE; NEUROFIBROMATOSIS, TYPE I, SOMATIC; Neurofibromatosis, type I. Identifiers: Orphanet 636, MedGen C0027831, MONDO:0018975, OMIM 162200. Disease mechanism: loss of function.

Submissions (3):

Ambry Genetics
Classification: Likely pathogenic for Cardiovascular phenotype; Hereditary cancer-predisposing syndrome. Last evaluated: 2025-12-09. Review status: criteria provided, single submitter. Criteria: Ambry Variant Classification Scheme 2023. Collection method: clinical testing. Allele origin: germline.
Comment: The p.C324R variant (also known as c.970T>C), located in coding exon 9 of the NF1 gene, results from a T to C substitution at nucleotide position 970. The cysteine at codon 324 is replaced by arginine, an amino acid with highly dissimilar properties. This variant was reported in individual(s) with features consistent with neurofibromatosis type 1 (NF1) (Mattocks C et al. J Med Genet, 2004 Apr;41:e48; Ambry internal data). Based on internal structural analysis, this variant is anticipated to result in a significant decrease in structural stability (Ambry internal data). This amino acid position is highly conserved in available vertebrate species. In addition, this alteration is predicted to be deleterious by in silico analysis. This variant is considered to be rare based on population cohorts in the Genome Aggregation Database (gnomAD). Based on the majority of available evidence to date, this variant is likely to be pathogenic.

Labcorp Genetics (formerly Invitae), Labcorp
Classification: Likely pathogenic for Neurofibromatosis, type 1. Last evaluated: 2022-10-27. Review status: criteria provided, single submitter. Criteria: Invitae Variant Classification Sherloc (09022015). Collection method: clinical testing. Allele origin: germline.
Comment: In summary, the currently available evidence indicates that the variant is pathogenic, but additional data are needed to prove that conclusively. Therefore, this variant has been classified as Likely Pathogenic. Advanced modeling of protein sequence and biophysical properties (such as structural, functional, and spatial information, amino acid conservation, physicochemical variation, residue mobility, and thermodynamic stability) performed at Invitae indicates that this missense variant is expected to disrupt NF1 protein function. ClinVar contains an entry for this variant (Variation ID: 68365). This missense change has been observed in individuals with clinical features of neurofibromatosis type I (PMID: 15060124; Invitae). This variant is not present in population databases (gnomAD no frequency). This sequence change replaces cysteine, which is neutral and slightly polar, with arginine, which is basic and polar, at codon 324 of the NF1 protein (p.Cys324Arg).

UniProtKB/Swiss-Prot
No classification provided. Review status: no classification provided. Collection method: not provided. Allele origin: not provided. Not counted in ClinVar's aggregate classification.

Literature cited by the submitters: PubMed 15060124 (cited by Ambry Genetics and Labcorp Genetics (formerly Invitae), Labcorp).